The following is an entry in ClinVar:

NM_024597.4(MAP7D3):c.923A>G (p.Gln308Arg)

Gene: MAP7D3 (MAP7 domain containing 3; minus strand). Cytogenetic location: Xq26.3.
Variant type: single nucleotide variant.
Coding change: c.923A>G on transcript NM_024597.4 (MANE Select); coding-DNA position 923, A replaced by G.
Protein change: p.Gln308Arg; replaces glutamine 308 with arginine.
Molecular consequence: missense variant.
Genome position (GRCh38, 1-based): chrX:136,232,034, T>C on the plus strand (A>G on the coding strand, the complement: MAP7D3 is on the minus strand). VCF-style: chrX-136232034-T-C. GRCh37 (hg19) VCF-style: chrX-135314193-T-C.
Other names: c.869A>G, p.Gln290Arg (NM_001173516.1); c.818A>G, p.Gln273Arg (NM_001173517.2); short protein forms Q273R, Q308R, Q290R.
Identifiers: ClinVar variation 4830878 (VCV004830878.1).

ClinVar aggregate classification (germline): Uncertain significance (1 of 4 stars; one submission).

gnomAD v4.1: 7 of 1,209,008 alleles (0.00058%); highest among the groups gnomAD compares: Admixed American, 0.015%; no homozygotes.

Submission:

Ambry Genetics
Classification: Uncertain significance. Last evaluated: 2026-02-23. Review status: criteria provided, single submitter. Criteria: Ambry Variant Classification Scheme 2023. Collection method: clinical testing. Allele origin: germline.
Comment: The c.923A>G (p.Q308R) alteration is located in exon 8 (coding exon 8) of the MAP7D3 gene. This alteration results from a A to G substitution at nucleotide position 923, causing the glutamine (Q) at amino acid position 308 to be replaced by an arginine (R). Based on data from gnomAD, the G allele has an overall frequency of 0.003% (5/181064) total alleles studied. The highest observed frequency was 0.018% (5/27354) of Latino alleles. Based on insufficient or conflicting evidence, the clinical significance of this alteration remains unclear.